The following is an entry in ClinVar:

ClinVar aggregate classification (germline): Uncertain significance. Review status: criteria provided, multiple submitters, no conflicts (2 of 4 stars). 5 submissions from 5 submitters: Uncertain significance (4). 1 of the submissions does not count toward it. Last evaluated 2025-09-28.

Conditions:
Congenital microcephaly - severe encephalopathy - progressive cerebral atrophy syndrome. Also called: ASNS DEFICIENCY; Asparagine synthetase deficiency. Identifiers: Orphanet 391376, MedGen C3809971, MONDO:0014258, OMIM 615574.
Inborn genetic diseases. Identifiers: MedGen C0950123, MeSH D030342.

Allele frequency attached by ClinVar (database versions not stated): ExAC 0.00002; TOPMed 0.00005; gnomAD 0.00009 and 0.00010.
gnomAD v4.1: 132 of 1,613,892 alleles (0.0082%); highest among the groups gnomAD compares: Non-Finnish European, 0.011%; no homozygotes.

Submissions (5):

Ambry Genetics
Classification: Uncertain significance for Inborn genetic diseases. Last evaluated: 2025-09-28. Review status: criteria provided, single submitter. Criteria: Ambry Variant Classification Scheme 2023. Collection method: clinical testing. Allele origin: germline.

GeneDx
Classification: Uncertain significance. Last evaluated: 2023-11-01. Review status: criteria provided, single submitter. Criteria: GeneDx Variant Classification Process June 2021. Collection method: clinical testing. Allele origin: germline. Affected: yes.
Comment: Not observed at significant frequency in large population cohorts (gnomAD); In silico analysis supports that this missense variant does not alter protein structure/function; Has not been previously published as pathogenic or benign to our knowledge

Blueprint Genetics
Classification: Uncertain significance. Last evaluated: 2023-05-11. Review status: criteria provided, single submitter. Criteria: ACMG Guidelines, 2015. Collection method: clinical testing. Allele origin: germline.

Labcorp Genetics (formerly Invitae), Labcorp
Classification: Uncertain significance. Last evaluated: 2022-10-24. Review status: criteria provided, single submitter. Criteria: Invitae Variant Classification Sherloc (09022015). Collection method: clinical testing. Allele origin: germline.
Comment: This sequence change replaces arginine, which is basic and polar, with lysine, which is basic and polar, at codon 392 of the ASNS protein (p.Arg392Lys). This variant is present in population databases (rs199817844, gnomAD 0.01%). This variant has not been reported in the literature in individuals affected with ASNS-related conditions. ClinVar contains an entry for this variant (Variation ID: 1194038). Advanced modeling of protein sequence and biophysical properties (such as structural, functional, and spatial information, amino acid conservation, physicochemical variation, residue mobility, and thermodynamic stability) performed at Invitae indicates that this missense variant is not expected to disrupt ASNS protein function. In summary, the available evidence is currently insufficient to determine the role of this variant in disease. Therefore, it has been classified as a Variant of Uncertain Significance.

Natera, Inc.
Classification: Uncertain significance for Asparagine synthetase deficiency. Last evaluated: 2020-02-13. Review status: no assertion criteria provided. Collection method: clinical testing. Allele origin: germline. Not counted in ClinVar's aggregate classification.

NM_001673.5(ASNS):c.1175G>A (p.Arg392Lys)

Genes: ASNS (asparagine synthetase (glutamine-hydrolyzing); minus strand), CZ1P-ASNS (CZ1P-ASNS readthrough; minus strand). Cytogenetic location: 7q21.3.
Variant type: single nucleotide variant.
Coding change: c.1175G>A on transcript NM_001673.5 (MANE Select); coding-DNA position 1175, G replaced by A.
Protein change: p.Arg392Lys; replaces arginine 392 with lysine.
Molecular consequence: missense variant. On other transcripts: non-coding transcript variant (1).
Genome position (GRCh38, 1-based): chr7:97,854,643, C>T on the plus strand (G>A on the coding strand, the complement: ASNS is on the minus strand). VCF-style: chr7-97854643-C-T. GRCh37 (hg19) VCF-style: chr7-97483955-C-T.
Other names: c.1112G>A, p.Arg371Lys (NM_001178075.2); c.926G>A, p.Arg309Lys (NM_001178076.2, NM_001178077.1); c.1175G>A, p.Arg392Lys (NM_001352496.2, NM_133436.3, NM_183356.4); short protein forms R309K, R371K, R392K.
Identifiers: ClinVar variation 1194038 (VCV001194038.9), dbSNP rs199817844, ClinGen allele CA4354575.